The following is an entry in ClinVar:

NM_003001.5(SDHC):c.78-3del

Gene: SDHC (succinate dehydrogenase complex subunit C; plus strand). Cytogenetic location: 1q23.3.
Variant type: Deletion.
Coding change: c.78-3del on transcript NM_003001.5 (MANE Select); 3 bases into the intron before coding-DNA position 78, one base deleted (T; older notation c.78-3delT).
Molecular consequence: intron variant.
Genome position (GRCh38, 1-based): chr1:161,328,393, T deleted; the last of 4 consecutive T bases (chr1:161,328,390-161,328,393); deleting any one gives the same sequence. VCF-style (leftmost placement, unchanged base first): chr1-161328389-AT-A. GRCh37 (hg19) VCF-style: chr1-161298179-AT-A.
Other names: c.-34-3del (NM_001407119.1, NM_001407120.1); c.78-3del (NM_001407115.1, NM_001035511.3); c.77+4723del (NM_001035512.3, NM_001278172.3, NM_001407118.1); c.21-3del (NM_001407116.1, NM_001407121.1, NM_001407117.1); c.21-12201del (NM_001035513.3).
Identifiers: ClinVar variation 3951406 (VCV003951406.1).

ClinVar aggregate classification (germline): Uncertain significance (1 of 4 stars; one submission).

Conditions:
Hereditary cancer-predisposing syndrome. Also called: Tumor predisposition; Hereditary neoplastic syndrome; Hereditary Cancer Syndrome; Neoplastic Syndromes, Hereditary. Identifiers: Orphanet 140162, MedGen C0027672, MeSH D009386, MONDO:0015356.

Submission:

Ambry Genetics
Classification: Uncertain significance for Hereditary cancer-predisposing syndrome. Last evaluated: 2025-04-02. Review status: criteria provided, single submitter. Criteria: Ambry Variant Classification Scheme 2023. Collection method: clinical testing. Allele origin: germline.
Comment: The c.78-3delT intronic variant, located in intron 2 of the SDHC gene, results from a deletion of one nucleotide within intron 2 of the SDHC gene. This nucleotide position is well conserved in available vertebrate species. In silico splice site analysis predicts that this alteration may weaken the native splice acceptor site. Based on the available evidence, the clinical significance of this variant remains unclear.